The following is an entry in ClinVar:

NM_000548.5(TSC2):c.2743-20G>A

Gene: TSC2 (TSC complex subunit 2; plus strand). Cytogenetic location: 16p13.3.
Variant type: single nucleotide variant.
Coding change: c.2743-20G>A on transcript NM_000548.5 (MANE Select); 20 bases into the intron before coding-DNA position 2743, G replaced by A.
Molecular consequence: intron variant.
Genome position (GRCh38, 1-based): chr16:2,076,471, G>A. VCF-style: chr16-2076471-G-A. GRCh37 (hg19) VCF-style: chr16-2126472-G-A.
Other names: c.2743-20G>A (NM_001370405.1, NM_001363528.2, NM_001370404.1 and 3 more transcripts); c.2632-20G>A (NM_001318827.2); c.2143-20G>A (NM_001318831.2); c.2596-20G>A (NM_001318829.2); c.2776-20G>A (NM_001318832.2).
Identifiers: ClinVar variation 1393197 (VCV001393197.6), dbSNP rs2089393160, ClinGen allele CA2202019726.
Genomic context (GRCh38, chr16:2,076,471, plus strand): 5'-AGGGGGCACCCGGCAGGCCTGGTGAGGGCCTCCAGCCCCCATTGCCACCCCTCACTGTCT[G>A]GGTGTGCTCACTCTGCCAGGGCCTGCGGTCCAATGTCCTCTTGTCTTTTGATGACACCCC-3'

ClinVar aggregate classification (germline): Uncertain significance (1 of 4 stars; one submission).

Conditions:
Tuberous sclerosis 2 (TSC2). Identifiers: Orphanet 805, MedGen C1860707, MONDO:0013199, OMIM 613254.

Allele frequency attached by ClinVar (database versions not stated): gnomAD exomes below 0.00001.
gnomAD v4.1: 1 of 1,613,028 alleles (0.000062%); highest among the groups gnomAD compares: East Asian, 0.0022%; no homozygotes.

Submission:

Labcorp Genetics (formerly Invitae), Labcorp
Classification: Uncertain significance for Tuberous sclerosis 2. Last evaluated: 2025-02-16. Review status: criteria provided, single submitter. Criteria: Invitae Variant Classification Sherloc (09022015). Collection method: clinical testing. Allele origin: germline.
Comment: This sequence change falls in intron 24 of the TSC2 gene. It does not directly change the encoded amino acid sequence of the TSC2 protein. This variant is not present in population databases (gnomAD no frequency). This variant has not been reported in the literature in individuals affected with TSC2-related conditions. ClinVar contains an entry for this variant (Variation ID: 1393197). Algorithms developed to predict the effect of sequence changes on RNA splicing suggest that this variant may disrupt the consensus splice site. In summary, the available evidence is currently insufficient to determine the role of this variant in disease. Therefore, it has been classified as a Variant of Uncertain Significance.